The following is an entry in ClinVar:

ClinVar aggregate classification (germline): Uncertain significance. Review status: criteria provided, multiple submitters, no conflicts (2 of 4 stars). 2 submissions from 2 submitters: Uncertain significance (2). Last evaluated 2025-09-02.

Conditions:
Familial cold autoinflammatory syndrome 2 (FCAS2). Identifiers: Orphanet 247868, MedGen C2673198, MONDO:0012724, OMIM 611762.

Allele frequency attached by ClinVar (database versions not stated): gnomAD 0.00001; TOPMed 0.00002.

Submissions (2):

Labcorp Genetics (formerly Invitae), Labcorp
Classification: Uncertain significance for Familial cold autoinflammatory syndrome 2. Last evaluated: 2025-09-02. Review status: criteria provided, single submitter. Criteria: Invitae Variant Classification Sherloc (09022015). Collection method: clinical testing. Allele origin: germline.
Comment: This sequence change replaces arginine, which is basic and polar, with glutamine, which is neutral and polar, at codon 1051 of the NLRP12 protein (p.Arg1051Gln). This variant is present in population databases (rs777108086, gnomAD 0.007%). This variant has not been reported in the literature in individuals affected with NLRP12-related conditions. ClinVar contains an entry for this variant (Variation ID: 656393). An algorithm developed to predict the effect of missense changes on protein structure and function (PolyPhen-2) suggests that this variant is likely to be disruptive. In summary, the available evidence is currently insufficient to determine the role of this variant in disease. Therefore, it has been classified as a Variant of Uncertain Significance.

Blueprint Genetics
Classification: Uncertain significance. Last evaluated: 2021-10-18. Review status: criteria provided, single submitter. Criteria: ACMG Guidelines, 2015. Collection method: clinical testing. Allele origin: germline.

NM_144687.4(NLRP12):c.3152G>A (p.Arg1051Gln)

Gene: NLRP12 (NLR family pyrin domain containing 12; minus strand). Cytogenetic location: 19q13.42.
Variant type: single nucleotide variant.
Coding change: c.3152G>A on transcript NM_144687.4 (MANE Select); coding-DNA position 3152, G replaced by A.
Protein change: p.Arg1051Gln; replaces arginine 1051 with glutamine.
Molecular consequence: missense variant.
Genome position (GRCh38, 1-based): chr19:53,794,083, C>T on the plus strand (G>A on the coding strand, the complement: NLRP12 is on the minus strand). VCF-style: chr19-53794083-C-T. GRCh37 (hg19) VCF-style: chr19-54297337-C-T.
Other names: c.3155G>A, p.Arg1052Gln (NM_001277126.2); c.2981G>A, p.Arg994Gln (NM_001277129.1); short protein forms R994Q, R1052Q, R1051Q.
Identifiers: ClinVar variation 656393 (VCV000656393.11), dbSNP rs777108086, ClinGen allele CA9638747.